The following is an entry in ClinVar:

ClinVar aggregate classification (germline): Uncertain significance (1 of 4 stars; one submission).

Submission:

GeneDx
Classification: Uncertain significance. Last evaluated: 2024-06-20. Review status: criteria provided, single submitter. Criteria: GeneDx Variant Classification Process June 2021. Collection method: clinical testing. Allele origin: germline. Affected: yes.
Comment: Not observed at significant frequency in large population cohorts (gnomAD); In silico analysis indicates that this missense variant does not alter protein structure/function; Has not been previously published as pathogenic or benign to our knowledge

NM_015335.5(MED13L):c.6104T>C (p.Met2035Thr)

Gene: MED13L (mediator complex subunit 13L; minus strand). Cytogenetic location: 12q24.21.
Variant type: single nucleotide variant.
Coding change: c.6104T>C on transcript NM_015335.5 (MANE Select); coding-DNA position 6104, T replaced by C.
Protein change: p.Met2035Thr; replaces methionine 2035 with threonine.
Molecular consequence: missense variant.
Genome position (GRCh38, 1-based): chr12:115,969,061, A>G on the plus strand (T>C on the coding strand, the complement: MED13L is on the minus strand). VCF-style: chr12-115969061-A-G. GRCh37 (hg19) VCF-style: chr12-116406866-A-G.
Other names: short protein forms M2035T.
Identifiers: ClinVar variation 3391486 (VCV003391486.1).
Genomic context (GRCh38, chr12:115,969,061, plus strand): 5'-GGGGAAGAGTTGGGAGAGGAATGGAGGTTCCCAGTCATTAATATGCCAATATCATTGTCC[A>G]TATCATCTGGGAATGGAAGGTCAACAAACATATCATCTAGAGGGAAGGGGGGAAAAAAAG-3'
Protein context (NP_056150.1, residues 2025-2045): MFVDLPFPDD[Met2035Thr]DNDIGILMTG